The following is an entry in ClinVar:

ClinVar aggregate classification (germline): Uncertain significance (1 of 4 stars; one submission).

Conditions:
Catecholaminergic polymorphic ventricular tachycardia 1. Also called: VENTRICULAR TACHYCARDIA, CATECHOLAMINERGIC POLYMORPHIC, 1, WITH OR WITHOUT ATRIAL DYSFUNCTION AND/OR DILATED CARDIOMYOPATHY; RYR2-Related Catecholaminergic Polymorphic Ventricular Tachycardia; VENTRICULAR TACHYCARDIA, STRESS-INDUCED POLYMORPHIC 1. Identifiers: Orphanet 3286, MedGen C1631597, MONDO:0011484, OMIM 604772.

Submission:

Labcorp Genetics (formerly Invitae), Labcorp
Classification: Uncertain significance for Catecholaminergic polymorphic ventricular tachycardia 1. Last evaluated: 2020-03-06. Review status: criteria provided, single submitter. Criteria: Invitae Variant Classification Sherloc (09022015). Collection method: clinical testing. Allele origin: germline.
Comment: This variant is not present in population databases (ExAC no frequency). This variant has not been reported in the literature in individuals with RYR2-related conditions. This sequence change replaces asparagine with aspartic acid at codon 3308 of the RYR2 protein (p.Asn3308Asp). The asparagine residue is highly conserved and there is a small physicochemical difference between asparagine and aspartic acid. Algorithms developed to predict the effect of missense changes on protein structure and function are either unavailable or do not agree on the potential impact of this missense change (SIFT: "Tolerated"; PolyPhen-2: "Benign"; Align-GVGD: "Class C0"). Algorithms developed to predict the effect of sequence changes on RNA splicing suggest that this variant may create or strengthen a splice site, but this prediction has not been confirmed by published transcriptional studies. In summary, the available evidence is currently insufficient to determine the role of this variant in disease. Therefore, it has been classified as a Variant of Uncertain Significance.

NM_001035.3(RYR2):c.9922A>G (p.Asn3308Asp)

Gene: RYR2 (ryanodine receptor 2; plus strand). Cytogenetic location: 1q43.
Variant type: single nucleotide variant.
Coding change: c.9922A>G on transcript NM_001035.3 (MANE Select); coding-DNA position 9922, A replaced by G.
Protein change: p.Asn3308Asp; replaces asparagine 3308 with aspartic acid.
Molecular consequence: missense variant.
Genome position (GRCh38, 1-based): chr1:237,708,878, A>G. VCF-style: chr1-237708878-A-G. GRCh37 (hg19) VCF-style: chr1-237872178-A-G.
Other names: short protein forms N3308D.
Identifiers: ClinVar variation 837834 (VCV000837834.11), dbSNP rs1688594106, ClinGen allele CA077053.